The following is an entry in ClinVar:

ClinVar aggregate classification (germline): Uncertain significance (1 of 4 stars; one submission).

Allele frequency attached by ClinVar (database versions not stated): ExAC 0.00001; gnomAD 0.00001; gnomAD exomes 0.00001; TOPMed 0.00002.
gnomAD v4.1: 11 of 1,614,094 alleles (0.00068%); highest among the groups gnomAD compares: African/African-American, 0.004%; no homozygotes.

Submission:

Labcorp Genetics (formerly Invitae), Labcorp
Classification: Uncertain significance. Last evaluated: 2022-09-19. Review status: criteria provided, single submitter. Criteria: Invitae Variant Classification Sherloc (09022015). Collection method: clinical testing. Allele origin: germline.
Comment: This sequence change replaces leucine, which is neutral and non-polar, with proline, which is neutral and non-polar, at codon 3671 of the HMCN1 protein (p.Leu3671Pro). This variant is present in population databases (rs779504418, gnomAD 0.004%). In summary, the available evidence is currently insufficient to determine the role of this variant in disease. Therefore, it has been classified as a Variant of Uncertain Significance. This variant has not been reported in the literature in individuals affected with HMCN1-related conditions. Algorithms developed to predict the effect of missense changes on protein structure and function (SIFT, PolyPhen-2, Align-GVGD) all suggest that this variant is likely to be disruptive.

NM_031935.3(HMCN1):c.11012T>C (p.Leu3671Pro)

Gene: HMCN1 (hemicentin 1; plus strand). Cytogenetic location: 1q31.1.
Variant type: single nucleotide variant.
Coding change: c.11012T>C on transcript NM_031935.3 (MANE Select); coding-DNA position 11012, T replaced by C.
Protein change: p.Leu3671Pro; replaces leucine 3671 with proline.
Molecular consequence: missense variant.
Genome position (GRCh38, 1-based): chr1:186,112,834, T>C. VCF-style: chr1-186112834-T-C. GRCh37 (hg19) VCF-style: chr1-186081966-T-C.
Other names: short protein forms L3671P.
Identifiers: ClinVar variation 2049053 (VCV002049053.4), dbSNP rs779504418, ClinGen allele CA1293909.